The following is an entry in ClinVar:

ClinVar aggregate classification (germline): Likely pathogenic (1 of 4 stars; one submission).

Conditions:
Autosomal recessive nonsyndromic hearing loss 8 (DFNB8). Also called: NEUROSENSORY NONSYNDROMIC RECESSIVE DEAFNESS 8; Deafness, autosomal recessive 10. Identifiers: Orphanet 90636, MedGen C1832827, MONDO:0010987, OMIM 601072.

Submission:

Juno Genomics, Hangzhou Juno Genomics, Inc
Classification: Likely pathogenic for Autosomal recessive nonsyndromic hearing loss 8. Review status: criteria provided, single submitter. Criteria: ACMG Guidelines, 2015. Collection method: clinical testing. Allele origin: germline.
Comment: Null variant in a gene where loss of function (LOF) is a known mechanism of disease.;Absent from controls (or at extremely low frequency if recessive) in Genome Aggregation Database.

NM_001256317.3(TMPRSS3):c.888C>A (p.Tyr296Ter)

Gene: TMPRSS3 (transmembrane serine protease 3; minus strand). Cytogenetic location: 21q22.3.
Variant type: single nucleotide variant.
Coding change: c.888C>A on transcript NM_001256317.3 (MANE Select); coding-DNA position 888, C replaced by A.
Protein change: p.Tyr296Ter; replaces tyrosine 296 with a stop codon.
Molecular consequence: nonsense.
Genome position (GRCh38, 1-based): chr21:42,382,129, G>T on the plus strand (C>A on the coding strand, the complement: TMPRSS3 is on the minus strand). VCF-style: chr21-42382129-G-T. GRCh37 (hg19) VCF-style: chr21-43802238-G-T.
Other names: c.888C>A, p.Tyr296Ter (NM_024022.4, NM_032405.2); c.507C>A, p.Tyr169Ter (NM_032404.3); short protein forms Y296*, Y169*.
Identifiers: ClinVar variation 5006421 (VCV005006421.2).